The following is an entry in ClinVar:

ClinVar aggregate classification (germline): Uncertain significance (1 of 4 stars; one submission).

Allele frequency attached by ClinVar (database versions not stated): ExAC 0.00001.

Submission:

Labcorp Genetics (formerly Invitae), Labcorp
Classification: Uncertain significance. Last evaluated: 2022-07-25. Review status: criteria provided, single submitter. Criteria: Invitae Variant Classification Sherloc (09022015). Collection method: clinical testing. Allele origin: germline.
Comment: In summary, the available evidence is currently insufficient to determine the role of this variant in disease. Therefore, it has been classified as a Variant of Uncertain Significance. Advanced modeling of protein sequence and biophysical properties (such as structural, functional, and spatial information, amino acid conservation, physicochemical variation, residue mobility, and thermodynamic stability) performed at Invitae indicates that this missense variant is not expected to disrupt CPLANE1 protein function. This variant has not been reported in the literature in individuals affected with CPLANE1-related conditions. This variant is present in population databases (rs761416940, gnomAD 0.0009%). This sequence change replaces serine, which is neutral and polar, with asparagine, which is neutral and polar, at codon 2160 of the CPLANE1 protein (p.Ser2160Asn).

NM_001384732.1(CPLANE1):c.6479G>A (p.Ser2160Asn)

Gene: CPLANE1 (ciliogenesis and planar polarity effector complex subunit 1; minus strand). Cytogenetic location: 5p13.2.
Variant type: single nucleotide variant.
Coding change: c.6479G>A on transcript NM_001384732.1 (MANE Select); coding-DNA position 6479, G replaced by A.
Protein change: p.Ser2160Asn; replaces serine 2160 with asparagine.
Molecular consequence: missense variant.
Genome position (GRCh38, 1-based): chr5:37,169,545, C>T on the plus strand (G>A on the coding strand, the complement: CPLANE1 is on the minus strand). VCF-style: chr5-37169545-C-T. GRCh37 (hg19) VCF-style: chr5-37169647-C-T.
Other names: c.6479G>A, p.Ser2160Asn (NM_023073.4); short protein forms S2160N.
Identifiers: ClinVar variation 1922817 (VCV001922817.5), dbSNP rs761416940, ClinGen allele CA3238235.